The following is an entry in ClinVar:

NM_001567.4(INPPL1):c.596G>A (p.Gly199Asp)

Gene: INPPL1 (inositol polyphosphate phosphatase like 1; plus strand). Cytogenetic location: 11q13.4.
Variant type: single nucleotide variant.
Coding change: c.596G>A on transcript NM_001567.4 (MANE Select); coding-DNA position 596, G replaced by A.
Protein change: p.Gly199Asp; replaces glycine 199 with aspartic acid.
Molecular consequence: missense variant.
Genome position (GRCh38, 1-based): chr11:72,229,167, G>A. VCF-style: chr11-72229167-G-A. GRCh37 (hg19) VCF-style: chr11-71940211-G-A.
Other names: c.596G>A (NM_001567.3); short protein forms G199D.
Identifiers: ClinVar variation 1053763 (VCV001053763.9), dbSNP rs201173863, ClinGen allele CA6169714.
Genomic context (GRCh38, chr11:72,229,167, plus strand): 5'-GCACCGTCTCGCACGACTACCTGAAAGGCAGCTATGGGCTGGACCTGGAAGCTGTGAGGG[G>A]TGGAGCCAGCCACCTGCCCCACCTCACCCGTACCCTCGCTACCTCATGCCGGAGGCTGCA-3'
Protein context (NP_001558.3, residues 189-209): SYGLDLEAVR[Gly199Asp]GASHLPHLTR

ClinVar aggregate classification (germline): Uncertain significance. Review status: criteria provided, multiple submitters, no conflicts (2 of 4 stars). 2 submissions from 2 submitters: Uncertain significance (2). Last evaluated 2025-12-01.

Conditions:
Inborn genetic diseases. Identifiers: MedGen C0950123, MeSH D030342.

Allele frequency attached by ClinVar (database versions not stated): ExAC 0.00005; gnomAD exomes 0.00005 and 0.00018; ESP Exome Variant Server 0.00008; gnomAD 0.00009 and 0.00010; TOPMed 0.00010; 1000 Genomes Project 30x 0.00016; 1000 Genomes Project 0.00020.
gnomAD v4.1: 270 of 1,613,840 alleles (0.017%); highest among the groups gnomAD compares: Non-Finnish European, 0.022%; no homozygotes.

Submissions (2):

Labcorp Genetics (formerly Invitae), Labcorp
Classification: Uncertain significance. Last evaluated: 2025-12-01. Review status: criteria provided, single submitter. Criteria: Invitae Variant Classification Sherloc (09022015). Collection method: clinical testing. Allele origin: germline.
Comment: This sequence change replaces glycine, which is neutral and non-polar, with aspartic acid, which is acidic and polar, at codon 199 of the INPPL1 protein (p.Gly199Asp). This variant is present in population databases (rs201173863, gnomAD 0.008%). This variant has not been reported in the literature in individuals affected with INPPL1-related conditions. ClinVar contains an entry for this variant (Variation ID: 1053763). An algorithm developed to predict the effect of missense changes on protein structure and function (PolyPhen-2) suggests that this variant is likely to be tolerated. In summary, the available evidence is currently insufficient to determine the role of this variant in disease. Therefore, it has been classified as a Variant of Uncertain Significance.

Ambry Genetics
Classification: Uncertain significance for Inborn genetic diseases. Last evaluated: 2023-12-08. Review status: criteria provided, single submitter. Criteria: Ambry Variant Classification Scheme 2023. Collection method: clinical testing. Allele origin: germline.